The following is an entry in ClinVar:

ClinVar aggregate classification (germline): Uncertain significance (1 of 4 stars; one submission).

Submission:

Women's Health and Genetics/Laboratory Corporation of America, LabCorp
Classification: Uncertain significance. Last evaluated: 2025-06-18. Review status: criteria provided, single submitter. Criteria: LabCorp Variant Classification Summary - May 2015. Collection method: clinical testing. Allele origin: germline.
Comment: Variant summary: EYS c.6571+6T>A alters a conserved nucleotide located close to a canonical splice site and therefore could affect mRNA splicing, leading to a significantly altered protein sequence. Several computational tools predict a significant impact on normal splicing: Four predict the variant abolishes a 5' splicing donor site. However, these predictions have yet to be confirmed by functional studies. The variant was absent in 139376 control chromosomes. The available data on variant occurrences in the general population are insufficient to allow any conclusion about variant significance. c.6571+6T>A has been observed in the compound heterozygous state in at least one individual affected with Retinitis Pigmentosa (Kim_2021, Iwanami_2019). These data do not allow any conclusion about variant significance. To our knowledge, no experimental evidence demonstrating an impact on protein function has been reported. The following publications have been ascertained in the context of this evaluation (PMID: 31814702, 34721897). No submitters have cited clinical-significance assessments for this variant to ClinVar. Based on the evidence outlined above, the variant was classified as uncertain significance.

Literature cited by the submitters: PubMed 31814702; PubMed 34721897.

NM_001142800.2(EYS):c.6571+6T>A

Gene: EYS (eyes shut homolog; minus strand). Cytogenetic location: 6q12.
Variant type: single nucleotide variant.
Coding change: c.6571+6T>A on transcript NM_001142800.2 (MANE Select); 6 bases into the intron after coding-DNA position 6571, T replaced by A.
Molecular consequence: intron variant.
Genome position (GRCh38, 1-based): chr6:64,081,850, A>T on the plus strand (T>A on the coding strand, the complement: EYS is on the minus strand). VCF-style: chr6-64081850-A-T. GRCh37 (hg19) VCF-style: chr6-64791743-A-T.
Other names: c.6571+6T>A (NM_001292009.2).
Identifiers: ClinVar variation 3907022 (VCV003907022.1).
Genomic context (GRCh38, chr6:64,081,850, plus strand): 5'-TGATTCAATAGATCAACGTTTGAGAAAGAAACATGACATACAAGAAGTCAAACATTTAAT[A>T]CTCACTGTAAAGAATAGTTCCATTTAAACTGTTTGTTTTTATAGTCAAGTAGATGGTAAC-3'